The following is an entry in ClinVar:

ClinVar aggregate classification (germline): Uncertain significance (1 of 4 stars; one submission).

Conditions:
Alstrom syndrome (ALMS). Identifiers: Orphanet 64, MedGen C0268425, MONDO:0008763, OMIM 203800.

Allele frequency attached by ClinVar (database versions not stated): gnomAD exomes below 0.00001.
gnomAD v4.1: 1 of 1,614,100 alleles (0.000062%); highest among the groups gnomAD compares: Non-Finnish European, 0.000085%; no homozygotes.

Submission:

Labcorp Genetics (formerly Invitae), Labcorp
Classification: Uncertain significance for Alstrom syndrome. Last evaluated: 2022-02-20. Review status: criteria provided, single submitter. Criteria: Invitae Variant Classification Sherloc (09022015). Collection method: clinical testing. Allele origin: germline.
Comment: In summary, the available evidence is currently insufficient to determine the role of this variant in disease. Therefore, it has been classified as a Variant of Uncertain Significance. Experimental studies and prediction algorithms are not available or were not evaluated, and the functional significance of this variant is currently unknown. This variant has not been reported in the literature in individuals affected with ALMS1-related conditions. This variant is not present in population databases (gnomAD no frequency). This sequence change replaces glutamic acid, which is acidic and polar, with glutamine, which is neutral and polar, at codon 2462 of the ALMS1 protein (p.Glu2462Gln).

NM_001378454.1(ALMS1):c.7381G>C (p.Glu2461Gln)

Gene: ALMS1 (ALMS1 centrosome and basal body associated protein; plus strand). Cytogenetic location: 2p13.1.
Variant type: single nucleotide variant.
Coding change: c.7381G>C on transcript NM_001378454.1 (MANE Select); coding-DNA position 7381, G replaced by C.
Protein change: p.Glu2461Gln; replaces glutamic acid 2461 with glutamine.
Molecular consequence: missense variant.
Genome position (GRCh38, 1-based): chr2:73,453,908, G>C. VCF-style: chr2-73453908-G-C. GRCh37 (hg19) VCF-style: chr2-73681035-G-C.
Other names: c.7384G>C, p.Glu2462Gln (NM_015120.4); short protein forms E2462Q, E2461Q.
Identifiers: ClinVar variation 2100012 (VCV002100012.4), dbSNP rs2466112521, ClinGen allele CA347292347.